The following is an entry in ClinVar:

ClinVar aggregate classification (germline): Conflicting classifications of pathogenicity. Review status: criteria provided, conflicting classifications (1 of 4 stars). 6 submissions from 6 submitters: Uncertain significance (1); Benign (3); Likely benign (1). 1 of the submissions does not count toward it. Last evaluated 2025-10-24.

Conditions:
NBEAL2-related disorder. Also called: NBEAL2-related condition.
Inborn genetic diseases. Identifiers: MedGen C0950123, MeSH D030342.

Allele frequency attached by ClinVar (database versions not stated): gnomAD 0.00005 and 0.00026; TOPMed 0.00010; ESP Exome Variant Server 0.00016; gnomAD exomes 0.00052; 1000 Genomes Project 30x 0.00062; ExAC 0.00068; 1000 Genomes Project 0.00080.

Submissions (6):

Women's Health and Genetics/Laboratory Corporation of America, LabCorp
Classification: Likely benign. Last evaluated: 2025-10-24. Review status: criteria provided, single submitter. Criteria: LabCorp Variant Classification Summary - May 2015. Collection method: clinical testing. Allele origin: germline.
Comment: Variant summary: NBEAL2 c.6212G>A (p.Arg2071His) results in a non-conservative amino acid change in the encoded protein sequence. Algorithms developed to predict the effect of missense changes on protein structure and function are either unavailable or do not agree on the potential impact of this missense change. The variant allele was found at a frequency of 0.00052 in 248894 control chromosomes, predominantly at a frequency of 0.004 within the South Asian subpopulation in the gnomAD database. The observed variant frequency within South Asian control individuals in the gnomAD database exceeds the estimated maximal expected allele frequency for disease-causing variants in NBEAL2. c.6212G>A has been observed arising de novo in an individual affected with Autism without detailed information (Zhou_2022). These report(s) do not provide unequivocal conclusions about association of the variant with Gray Platelet Syndrome. To our knowledge, no experimental evidence demonstrating an impact on protein function has been reported. The following publication has been ascertained in the context of this evaluation (PMID: 35982159). ClinVar contains an entry for this variant (Variation ID: 719645). Based on the evidence outlined above, the variant was classified as likely benign.

Labcorp Genetics (formerly Invitae), Labcorp
Classification: Benign. Last evaluated: 2025-10-13. Review status: criteria provided, single submitter. Criteria: Invitae Variant Classification Sherloc (09022015). Collection method: clinical testing. Allele origin: germline.

Blueprint Genetics
Classification: Benign. Last evaluated: 2024-09-30. Review status: criteria provided, single submitter. Criteria: ACMG Guidelines, 2015. Collection method: clinical testing. Allele origin: germline.

Ambry Genetics
Classification: Uncertain significance for Inborn genetic diseases. Last evaluated: 2021-08-12. Review status: criteria provided, single submitter. Criteria: Ambry Variant Classification Scheme 2023. Collection method: clinical testing. Allele origin: germline.

Breakthrough Genomics
Classification: Benign. Review status: criteria provided, single submitter. Criteria: ACMG Guidelines, 2015. Collection method: not provided. Allele origin: germline. Inheritance: Autosomal recessive inheritance. Affected: yes.

PreventionGenetics, part of Exact Sciences
Classification: Likely benign for NBEAL2-related condition. Last evaluated: 2023-07-11. Review status: no assertion criteria provided. Collection method: clinical testing. Allele origin: germline. Not counted in ClinVar's aggregate classification.
Comment: This variant is classified as likely benign based on ACMG/AMP sequence variant interpretation guidelines (Richards et al. 2015 PMID: 25741868, with internal and published modifications).

Literature cited by the submitters: PubMed 35982159 (cited by Women's Health and Genetics/Laboratory Corporation of America, LabCorp).

NM_015175.3(NBEAL2):c.6212G>A (p.Arg2071His)

Gene: NBEAL2 (neurobeachin like 2; plus strand). Cytogenetic location: 3p21.31.
Variant type: single nucleotide variant.
Coding change: c.6212G>A on transcript NM_015175.3 (MANE Select); coding-DNA position 6212, G replaced by A.
Protein change: p.Arg2071His; replaces arginine 2071 with histidine.
Molecular consequence: missense variant.
Genome position (GRCh38, 1-based): chr3:47,004,508, G>A. VCF-style: chr3-47004508-G-A. GRCh37 (hg19) VCF-style: chr3-47045998-G-A.
Other names: c.6110G>A, p.Arg2037His (NM_001365116.2); c.6212G>A (NM_015175.1); short protein forms R2037H, R2071H.
Identifiers: ClinVar variation 719645 (VCV000719645.10), dbSNP rs200204458, ClinGen allele CA2361793.